The following is an entry in ClinVar:

ClinVar aggregate classification (germline): Conflicting classifications of pathogenicity. Review status: criteria provided, conflicting classifications (1 of 4 stars). 3 submissions from 3 submitters: Uncertain significance (1); Likely benign (2). Last evaluated 2025-06-07.

Conditions:
Hereditary sensory and autonomic neuropathy type 6. Also called: Neuropathy, hereditary sensory and autonomic, type VI; HSAN VI. Identifiers: Orphanet 314381, MedGen C3539003, MONDO:0013839, OMIM 614653.
Epidermolysis bullosa simplex 3, localized or generalized intermediate, with BP230 deficiency (EBS3). Also called: Epidermolysis bullosa simplex due to BP230 deficiency; Epidermolysis bullosa simplex, autosomal recessive 2. Identifiers: Orphanet 412181, MedGen C3809470, MONDO:0014180, OMIM 615425.

Allele frequency attached by ClinVar (database versions not stated): gnomAD 0.00002 and 0.00003; TOPMed 0.00002; gnomAD exomes 0.00004 and 0.00008; ESP Exome Variant Server 0.00008; ExAC 0.00010; 1000 Genomes Project 30x 0.00016; 1000 Genomes Project 0.00020.
gnomAD v4.1: 57 of 1,612,404 alleles (0.0035%); highest among the groups gnomAD compares: South Asian, 0.0088%; no homozygotes.

Submissions (3):

Mayo Clinic Laboratories, Mayo Clinic
Classification: Uncertain significance. Last evaluated: 2025-06-07. Review status: criteria provided, single submitter. Criteria: ACMG Guidelines, 2015. Collection method: clinical testing. Allele origin: germline. Observed: 1 variant allele.

Labcorp Genetics (formerly Invitae), Labcorp
Classification: Likely benign for Epidermolysis bullosa simplex 3, localized or generalized intermediate, with BP230 deficiency; Hereditary sensory and autonomic neuropathy type 6. Last evaluated: 2025-03-10. Review status: criteria provided, single submitter. Criteria: Invitae Variant Classification Sherloc (09022015). Collection method: clinical testing. Allele origin: germline.

CeGaT Center for Human Genetics Tuebingen
Classification: Likely benign. Last evaluated: 2023-01-01. Review status: criteria provided, single submitter. Criteria: CeGaT Center For Human Genetics Tuebingen Variant Classification Criteria Version 2. Collection method: clinical testing. Allele origin: germline. Affected: yes. Observed: 2 variant alleles.
Comment: DST: BP4, BP7

NM_001374736.1(DST):c.11679T>C (p.Tyr3893=)

Gene: DST (dystonin; minus strand). Cytogenetic location: 6p12.1.
Variant type: single nucleotide variant.
Coding change: c.11679T>C on transcript NM_001374736.1 (MANE Select); coding-DNA position 11679, T replaced by C.
Protein change: p.Tyr3893=; no amino-acid change (tyrosine 3893 retained).
Molecular consequence: synonymous variant.
Genome position (GRCh38, 1-based): chr6:56,600,084, A>G on the plus strand (T>C on the coding strand, the complement: DST is on the minus strand). VCF-style: chr6-56600084-A-G. GRCh37 (hg19) VCF-style: chr6-56464882-A-G.
Other names: p.Tyr1270=; c.5322T>C, p.Tyr1774= (NM_001144769.5); c.4908T>C, p.Tyr1636= (NM_001144770.2); c.11679T>C, p.Tyr3893= (NM_001374722.1); c.11046T>C, p.Tyr3682= (NM_001374729.1); c.4788T>C, p.Tyr1596= (NM_001374730.1, NM_001386100.1, NM_183380.4); c.11706T>C, p.Tyr3902= (NM_001374734.1); c.3810T>C, p.Tyr1270= (NM_015548.5).
Identifiers: ClinVar variation 1100057 (VCV001100057.33), dbSNP rs375258425, ClinGen allele CA3868606.